The following is an entry in ClinVar:

ClinVar aggregate classification (germline): Uncertain significance. Review status: criteria provided, multiple submitters, no conflicts (2 of 4 stars). 4 submissions from 4 submitters: Uncertain significance (4). Last evaluated 2026-05-11.

Conditions:
Breast and/or ovarian cancer. Identifiers: MedGen CN221562.
Hereditary cancer-predisposing syndrome. Also called: Neoplastic Syndromes, Hereditary; Hereditary Cancer Syndrome; Tumor predisposition; Hereditary neoplastic syndrome. Identifiers: Orphanet 140162, MedGen C0027672, MeSH D009386, MONDO:0015356.
Familial cancer of breast. Also called: hereditary breast carcinoma; BREAST CANCER, FAMILIAL; Hereditary breast cancer. Identifiers: Orphanet 227535, MedGen C0346153, MONDO:0016419, OMIM 114480. Disease mechanism: loss of function.

Allele frequency attached by ClinVar (database versions not stated): gnomAD 0.00001; gnomAD exomes below 0.00001.
gnomAD v4.1: 5 of 1,609,888 alleles (0.00031%); highest among the groups gnomAD compares: Middle Eastern, 0.016%; no homozygotes.

Submissions (4):

Ambry Genetics
Classification: Uncertain significance for Hereditary cancer-predisposing syndrome. Last evaluated: 2026-05-11. Review status: criteria provided, single submitter. Criteria: Ambry Variant Classification Scheme 2023. Collection method: clinical testing. Allele origin: germline.
Comment: The p.K862N variant (also known as c.2586G>C), located in coding exon 6 of the PALB2 gene, results from a G to C substitution at nucleotide position 2586. The amino acid change results in lysine to asparagine at codon 862, an amino acid with similar properties. However, this change occurs in the last base pair of coding exon 6, which makes it likely to have some effect on normal mRNA splicing. This nucleotide position is highly conserved in available vertebrate species. This amino acid position is highly conserved in available vertebrate species. In silico splice site analysis predicts that this alteration will weaken the native splice donor site. In addition, this alteration is predicted to be tolerated by in silico analysis. Based on the available evidence, the clinical significance of this variant remains unclear.

Labcorp Genetics (formerly Invitae), Labcorp
Classification: Uncertain significance for Familial cancer of breast. Last evaluated: 2023-05-26. Review status: criteria provided, single submitter. Criteria: Invitae Variant Classification Sherloc (09022015). Collection method: clinical testing. Allele origin: germline.
Comment: This missense change has been observed in individual(s) with ovarian cancer (PMID: 32546565). The frequency data for this variant in the population databases is considered unreliable, as metrics indicate poor data quality at this position in the gnomAD database. This sequence change replaces lysine, which is basic and polar, with asparagine, which is neutral and polar, at codon 862 of the PALB2 protein (p.Lys862Asn). This variant also falls at the last nucleotide of exon 6, which is part of the consensus splice site for this exon. ClinVar contains an entry for this variant (Variation ID: 229932). In summary, the available evidence is currently insufficient to determine the role of this variant in disease. Therefore, it has been classified as a Variant of Uncertain Significance. Variants that disrupt the consensus splice site are a relatively common cause of aberrant splicing (PMID: 17576681, 9536098). Algorithms developed to predict the effect of sequence changes on RNA splicing suggest that this variant may disrupt the consensus splice site. An algorithm developed to predict the effect of missense changes on protein structure and function (PolyPhen-2) suggests that this variant is likely to be disruptive.

Color Diagnostics, LLC DBA Color Health
Classification: Uncertain significance for Hereditary cancer-predisposing syndrome. Last evaluated: 2022-08-29. Review status: criteria provided, single submitter. Criteria: ACMG Guidelines, 2015. Collection method: clinical testing. Allele origin: germline.
Comment: This missense variant replaces lysine with asparagine at codon 862 of the PALB2 protein. Computational prediction suggests that this variant may not impact protein structure and function (internally defined REVEL score threshold <= 0.5, PMID: 27666373). In addition, this variant alters a conserved, last nucleotide c.G of exon 6 and is predicted to impair RNA splicing. To our knowledge, functional studies have not been reported for this variant. This variant has been reported in an individual affected with ovarian cancer (PMID: 32546565). This variant has been identified in 1/251152 chromosomes in the general population by the Genome Aggregation Database (gnomAD). The available evidence is insufficient to determine the role of this variant in disease conclusively. Therefore, this variant is classified as a Variant of Uncertain Significance.

CHEO Genetics Diagnostic Laboratory, Children's Hospital of Eastern Ontario
Classification: Uncertain significance for Breast and/or ovarian cancer. Last evaluated: 2022-05-02. Review status: criteria provided, single submitter. Criteria: ACMG Guidelines, 2015. Collection method: clinical testing. Allele origin: germline.

Literature cited by the submitters: PubMed 32546565 (cited by Labcorp Genetics (formerly Invitae), Labcorp and Color Diagnostics, LLC DBA Color Health); PubMed 17576681 (cited by Labcorp Genetics (formerly Invitae), Labcorp); PubMed 9536098 (cited by Labcorp Genetics (formerly Invitae), Labcorp).

NM_024675.4(PALB2):c.2586G>C (p.Lys862Asn)

Gene: PALB2 (partner and localizer of BRCA2; minus strand). Cytogenetic location: 16p12.2.
Variant type: single nucleotide variant.
Coding change: c.2586G>C on transcript NM_024675.4 (MANE Select); coding-DNA position 2586, G replaced by C.
Protein change: p.Lys862Asn; replaces lysine 862 with asparagine.
Molecular consequence: missense variant.
Genome position (GRCh38, 1-based): chr16:23,629,204, C>G on the plus strand (G>C on the coding strand, the complement: PALB2 is on the minus strand). VCF-style: chr16-23629204-C-G. GRCh37 (hg19) VCF-style: chr16-23640525-C-G.
Other names: short protein forms K862N.
Identifiers: ClinVar variation 229932 (VCV000229932.19), dbSNP rs876658279, ClinGen allele CA10579962.
Genomic context (GRCh38, chr16:23,629,204, plus strand): 5'-CAGTTCATTAAAGTTTTCATATGTAAGACACGAGACACTGGAAGAGAATATTCTTCTGAC[C>G]TTTAACTCTGAAACCAATTGTAGGTTGCCTGGGTTTATGCTATCAGAAGCAGGAAGCTCT-3'
Protein context (NP_078951.2, residues 852-872): PGNLQLVSEL[Lys862Asn]NPSGSCSVDV